The following is an entry in ClinVar:

NM_000260.4(MYO7A):c.5626A>T (p.Lys1876Ter)

Gene: MYO7A (myosin VIIA; plus strand). Cytogenetic location: 11q13.5.
Variant type: single nucleotide variant.
Coding change: c.5626A>T on transcript NM_000260.4 (MANE Select); coding-DNA position 5626, A replaced by T.
Protein change: p.Lys1876Ter; replaces lysine 1876 with a stop codon.
Molecular consequence: nonsense.
Genome position (GRCh38, 1-based): chr11:77,205,607, A>T. VCF-style: chr11-77205607-A-T. GRCh37 (hg19) VCF-style: chr11-76916652-A-T.
Other names: c.5512A>T, p.Lys1838Ter (NM_001127180.2); c.5479A>T, p.Lys1827Ter (NM_001369365.1); short protein forms K1827*, K1838*, K1876*.
Identifiers: ClinVar variation 3601490 (VCV003601490.1).

ClinVar aggregate classification (germline): Pathogenic (1 of 4 stars; one submission).

Conditions:
Autosomal recessive nonsyndromic hearing loss 2. Also called: NEUROSENSORY NONSYNDROMIC RECESSIVE DEAFNESS 2; DEAFNESS, AUTOSOMAL RECESSIVE 2. Identifiers: Orphanet 90636, MedGen C1838701, MONDO:0010807, OMIM 600060.

Submission:

Institute of Rare Diseases, West China Hospital, Sichuan University
Classification: Pathogenic for Autosomal recessive nonsyndromic hearing loss 2. Last evaluated: 2025-01-09. Review status: criteria provided, single submitter. Criteria: ClinGen HL ACMG Specifications v1. Collection method: research. Allele origin: germline. Affected: yes.
Comment: PVS1;PM3;PM2_Supporting